The following is an entry in ClinVar:

ClinVar aggregate classification (germline): Likely benign. Review status: criteria provided, multiple submitters, no conflicts (2 of 4 stars). 2 submissions from 2 submitters: Likely benign (2). Last evaluated 2026-05-01.

Conditions:
Lowe syndrome (OCRL). Also called: PHOSPHATIDYLINOSITOL 4,5-BISPHOSPHATE 5-PHOSPHATASE DEFICIENCY; LOWE OCULOCEREBRORENAL SYNDROME; Oculocerebrorenal Syndrome. Identifiers: Orphanet 534, MedGen C0028860, MONDO:0010645, OMIM 309000.

Allele frequency attached by ClinVar (database versions not stated): gnomAD exomes 0.00001.
gnomAD v4.1: 7 of 1,208,078 alleles (0.00058%); highest among the groups gnomAD compares: Admixed American, 0.0022%; no homozygotes.

Submissions (2):

CeGaT Center for Human Genetics Tuebingen
Classification: Likely benign. Last evaluated: 2026-05-01. Review status: criteria provided, single submitter. Criteria: CeGaT Center For Human Genetics Tuebingen Variant Classification Criteria Version 2. Collection method: clinical testing. Allele origin: germline. Affected: yes. Observed: 1 variant allele.
Comment: OCRL: BS2

Labcorp Genetics (formerly Invitae), Labcorp
Classification: Likely benign for Lowe syndrome. Last evaluated: 2025-06-12. Review status: criteria provided, single submitter. Criteria: Invitae Variant Classification Sherloc (09022015). Collection method: clinical testing. Allele origin: germline.

NM_000276.4(OCRL):c.1631G>A (p.Arg544Gln)

Gene: OCRL (OCRL inositol polyphosphate-5-phosphatase; plus strand). Cytogenetic location: Xq26.1.
Variant type: single nucleotide variant.
Coding change: c.1631G>A on transcript NM_000276.4 (MANE Select); coding-DNA position 1631, G replaced by A.
Protein change: p.Arg544Gln; replaces arginine 544 with glutamine.
Molecular consequence: missense variant.
Genome position (GRCh38, 1-based): chrX:129,575,168, G>A. VCF-style: chrX-129575168-G-A. GRCh37 (hg19) VCF-style: chrX-128709145-G-A.
Other names: c.1631G>A, p.Arg544Gln (NM_001587.4); c.1634G>A, p.Arg545Gln (NM_001318784.2); short protein forms R545Q, R544Q.
Identifiers: ClinVar variation 1972772 (VCV001972772.7), dbSNP rs1464859604, ClinGen allele CA414617542.